The following is an entry in ClinVar:

NM_000214.3(JAG1):c.2394G>A (p.Val798=)

Gene: JAG1 (jagged canonical Notch ligand 1; minus strand). Cytogenetic location: 20p12.2.
Variant type: single nucleotide variant.
Coding change: c.2394G>A on transcript NM_000214.3 (MANE Select); coding-DNA position 2394, G replaced by A.
Protein change: p.Val798=; no amino-acid change (valine 798 retained).
Molecular consequence: synonymous variant.
Genome position (GRCh38, 1-based): chr20:10,643,842, C>T on the plus strand (G>A on the coding strand, the complement: JAG1 is on the minus strand). VCF-style: chr20-10643842-C-T. GRCh37 (hg19) VCF-style: chr20-10624490-C-T.
Other names: c.2394G>A (NM_000214.2).
Identifiers: ClinVar variation 2202592 (VCV002202592.6), dbSNP rs1374399223, ClinGen allele CA509659515.

ClinVar aggregate classification (germline): Likely benign. Review status: criteria provided, multiple submitters, no conflicts (2 of 4 stars). 3 submissions from 3 submitters: Likely benign (3). Last evaluated 2025-10-02.

Conditions:
Cardiovascular phenotype. Identifiers: MedGen CN230736.
JAG1-related disorder. Also called: JAG1-related condition; JAG1-related disorders.
Alagille syndrome due to a JAG1 point mutation. Also called: HEPATIC DUCTULAR HYPOPLASIA, SYNDROMATIC; Alagille Syndrome 1; JAG1-Related Alagille Syndrome. Identifiers: Orphanet 261619, Orphanet 52, MedGen C1956125, MONDO:0016862, OMIM 118450.

Allele frequency attached by ClinVar (database versions not stated): gnomAD exomes below 0.00001; TOPMed 0.00001; gnomAD 0.00003.
gnomAD v4.1: 6 of 1,613,988 alleles (0.00037%); highest among the groups gnomAD compares: Non-Finnish European, 0.00051%; no homozygotes.

Submissions (3):

PreventionGenetics, part of Exact Sciences
Classification: Likely benign for JAG1-related condition. Last evaluated: 2025-10-02. Review status: criteria provided, single submitter. Criteria: ACMG Guidelines, 2015. Collection method: clinical testing. Allele origin: germline.
Comment: This variant is classified as likely benign based on ACMG/AMP sequence variant interpretation guidelines (Richards et al. 2015 PMID: 25741868, with internal and published modifications).

Labcorp Genetics (formerly Invitae), Labcorp
Classification: Likely benign for Alagille syndrome due to a JAG1 point mutation. Last evaluated: 2024-08-07. Review status: criteria provided, single submitter. Criteria: Invitae Variant Classification Sherloc (09022015). Collection method: clinical testing. Allele origin: germline.

Ambry Genetics
Classification: Likely benign for Cardiovascular phenotype. Last evaluated: 2024-06-18. Review status: criteria provided, single submitter. Criteria: Ambry Variant Classification Scheme 2023. Collection method: clinical testing. Allele origin: germline.